The following is an entry in ClinVar:

ClinVar aggregate classification (germline): Uncertain significance (1 of 4 stars; one submission).

Conditions:
Familial temporal lobe epilepsy 7. Identifiers: Orphanet 101046, MedGen C4225327, MONDO:0014639, OMIM 616436.
Norman-Roberts syndrome (LIS2). Also called: Lissencephaly 2 (Norman-Roberts type). Identifiers: Orphanet 89844, MedGen C0796089, MONDO:0009760, OMIM 257320.

Submission:

Labcorp Genetics (formerly Invitae), Labcorp
Classification: Uncertain significance for Familial temporal lobe epilepsy 7; Norman-Roberts syndrome. Last evaluated: 2024-04-18. Review status: criteria provided, single submitter. Criteria: Invitae Variant Classification Sherloc (09022015). Collection method: clinical testing. Allele origin: germline.
Comment: This sequence change falls in intron 17 of the RELN gene. It does not directly change the encoded amino acid sequence of the RELN protein. This variant is not present in population databases (gnomAD no frequency). This variant has not been reported in the literature in individuals affected with RELN-related conditions. Algorithms developed to predict the effect of sequence changes on RNA splicing suggest that this variant may disrupt the consensus splice site. In summary, the available evidence is currently insufficient to determine the role of this variant in disease. Therefore, it has been classified as a Variant of Uncertain Significance.

NM_005045.4(RELN):c.2070-8T>G

Gene: RELN (reelin; minus strand). Cytogenetic location: 7q22.1.
Variant type: single nucleotide variant.
Coding change: c.2070-8T>G on transcript NM_005045.4 (MANE Select); 8 bases into the intron before coding-DNA position 2070, T replaced by G.
Molecular consequence: intron variant.
Genome position (GRCh38, 1-based): chr7:103,636,476, A>C on the plus strand (T>G on the coding strand, the complement: RELN is on the minus strand). VCF-style: chr7-103636476-A-C. GRCh37 (hg19) VCF-style: chr7-103276923-A-C.
Other names: c.2070-8T>G (NM_173054.3).
Identifiers: ClinVar variation 3755927 (VCV003755927.2).